The following is an entry in ClinVar:

ClinVar aggregate classification (germline): Conflicting classifications of pathogenicity. Review status: criteria provided, conflicting classifications (1 of 4 stars). 2 submissions from 2 submitters: Uncertain significance (1); Likely benign (1). Last evaluated 2023-10-17.

Conditions:
RYR1-related disorder. Also called: RYR1-related disorders; RYR1-related condition. Identifiers: MedGen CN239331.
Malignant hyperthermia, susceptibility to, 1 (MHS1). Also called: RYR1-Related Malignant Hyperthermia Susceptibility; Anesthesia related hyperthermia; Malignant hyperpyrexia; Fulminating hyperpyrexia; Pharmacogenic myopathy; Malignant hyperthermia suceptibility 1. Identifiers: Orphanet 423, MedGen C2930980, MONDO:0007783, OMIM 145600.

Allele frequency attached by ClinVar (database versions not stated): TOPMed below 0.00001.
gnomAD v4.1: 2 of 1,613,616 alleles (0.00012%); no homozygotes.

Submissions (2):

Labcorp Genetics (formerly Invitae), Labcorp
Classification: Uncertain significance for RYR1-related disorder. Last evaluated: 2023-10-17. Review status: criteria provided, single submitter. Criteria: Invitae Variant Classification Sherloc (09022015). Collection method: clinical testing. Allele origin: germline.
Comment: This sequence change replaces threonine, which is neutral and polar, with isoleucine, which is neutral and non-polar, at codon 1769 of the RYR1 protein (p.Thr1769Ile). This variant is not present in population databases (gnomAD no frequency). This variant has not been reported in the literature in individuals affected with RYR1-related conditions. ClinVar contains an entry for this variant (Variation ID: 657976). Advanced modeling of protein sequence and biophysical properties (such as structural, functional, and spatial information, amino acid conservation, physicochemical variation, residue mobility, and thermodynamic stability) performed at Invitae indicates that this missense variant is not expected to disrupt RYR1 protein function. In summary, the available evidence is currently insufficient to determine the role of this variant in disease. Therefore, it has been classified as a Variant of Uncertain Significance.

All of Us Research Program, National Institutes of Health
Classification: Likely benign for Malignant hyperthermia, susceptibility to, 1. Last evaluated: 2023-08-15. Review status: criteria provided, single submitter. Criteria: ACMG Guidelines, 2015. Collection method: clinical testing. Allele origin: germline. Inheritance: Autosomal dominant inheritance. Observed: 2 variant alleles, 2 heterozygotes.
Comment: This study involves interpretation of variants in research participants for the purpose of population health screening. Participant phenotype was not available at the time of variant classification. Additional details can be found in publication PMID: 35346344, PMCID: PMC8962531

NM_000540.3(RYR1):c.5306C>T (p.Thr1769Ile)

Gene: RYR1 (ryanodine receptor 1; plus strand). Cytogenetic location: 19q13.2.
Variant type: single nucleotide variant.
Coding change: c.5306C>T on transcript NM_000540.3 (MANE Select); coding-DNA position 5306, C replaced by T.
Protein change: p.Thr1769Ile; replaces threonine 1769 with isoleucine.
Molecular consequence: missense variant.
Genome position (GRCh38, 1-based): chr19:38,485,961, C>T. VCF-style: chr19-38485961-C-T. GRCh37 (hg19) VCF-style: chr19-38976601-C-T.
Other names: c.5306C>T, p.Thr1769Ile (NM_001042723.2); short protein forms T1769I.
Identifiers: ClinVar variation 657976 (VCV000657976.7), dbSNP rs1600772418, ClinGen allele CA405654581.